The following is an entry in ClinVar:

ClinVar aggregate classification (germline): Likely pathogenic (1 of 4 stars; one submission).

Allele frequency attached by ClinVar (database versions not stated): TOPMed below 0.00001.

Submission:

Athena Diagnostics
Classification: Likely pathogenic. Last evaluated: 2022-11-08. Review status: criteria provided, single submitter. Criteria: Athena Diagnostics Criteria. Collection method: clinical testing. Allele origin: unknown.
Comment: This variant is predicted to result in a premature stop codon in a region that may allow expression of a truncated protein. The disrupted region is considered important to protein function. This variant has been identified in at least one individual with clinical features associated with this gene. This variant has not been reported in large, multi-ethnic general populations.

NM_000144.5(FXN):c.498T>G (p.Tyr166Ter)

Gene: FXN (frataxin; plus strand). Cytogenetic location: 9q21.11.
Variant type: single nucleotide variant.
Coding change: c.498T>G on transcript NM_000144.5 (MANE Select); coding-DNA position 498, T replaced by G.
Protein change: p.Tyr166Ter; replaces tyrosine 166 with a stop codon.
Molecular consequence: nonsense. On other transcripts: missense variant (1).
Genome position (GRCh38, 1-based): chr9:69,072,627, T>G. VCF-style: chr9-69072627-T-G. GRCh37 (hg19) VCF-style: chr9-71687543-T-G.
Other names: c.506T>G, p.Met169Arg (NM_181425.3); short protein forms M169R, Y166*.
Identifiers: ClinVar variation 804823 (VCV000804823.3), dbSNP rs1587832283, ClinGen allele CA373623507.